The following is an entry in ClinVar:

NM_000059.4(BRCA2):c.6165C>G (p.Phe2055Leu)

Gene: BRCA2 (BRCA2 DNA repair associated; plus strand). Cytogenetic location: 13q13.1.
Variant type: single nucleotide variant.
Coding change: c.6165C>G on transcript NM_000059.4 (MANE Select); coding-DNA position 6165, C replaced by G.
Protein change: p.Phe2055Leu; replaces phenylalanine 2055 with leucine.
Molecular consequence: missense variant.
Genome position (GRCh38, 1-based): chr13:32,340,520, C>G. VCF-style: chr13-32340520-C-G. GRCh37 (hg19) VCF-style: chr13-32914657-C-G.
Other names: short protein forms F2055L.
Identifiers: ClinVar variation 483044 (VCV000483044.11), dbSNP rs1555284579, ClinGen allele CA387788338.

ClinVar aggregate classification (germline): Conflicting classifications of pathogenicity. Review status: criteria provided, conflicting classifications (1 of 4 stars). 4 submissions from 4 submitters: Uncertain significance (3); Likely benign (1). Last evaluated 2024-09-27.

Conditions:
Hereditary breast ovarian cancer syndrome. Also called: Hereditary breast and ovarian cancer syndrome; Hereditary breast and ovarian cancer; Hereditary breast and ovarian cancer syndrome (HBOC); Breast and ovarian cancer; Hereditary breast and/or ovarian cancer syndrome; BRCA1- and BRCA2-Associated Hereditary Breast and Ovarian Cancer. Identifiers: Orphanet 145, MedGen C0677776, MeSH D061325, MONDO:0003582. Disease mechanism: loss of function.
Hereditary cancer-predisposing syndrome. Also called: Neoplastic Syndromes, Hereditary; Tumor predisposition; Hereditary Cancer Syndrome; Hereditary neoplastic syndrome. Identifiers: Orphanet 140162, MedGen C0027672, MeSH D009386, MONDO:0015356.

Submissions (4):

Labcorp Genetics (formerly Invitae), Labcorp
Classification: Uncertain significance for Hereditary breast ovarian cancer syndrome. Last evaluated: 2024-09-27. Review status: criteria provided, single submitter. Criteria: Invitae Variant Classification Sherloc (09022015). Collection method: clinical testing. Allele origin: germline.
Comment: This sequence change replaces phenylalanine, which is neutral and non-polar, with leucine, which is neutral and non-polar, at codon 2055 of the BRCA2 protein (p.Phe2055Leu). This variant is not present in population databases (gnomAD no frequency). This variant has not been reported in the literature in individuals affected with BRCA2-related conditions. ClinVar contains an entry for this variant (Variation ID: 483044). Invitae Evidence Modeling of protein sequence and biophysical properties (such as structural, functional, and spatial information, amino acid conservation, physicochemical variation, residue mobility, and thermodynamic stability) indicates that this missense variant is not expected to disrupt BRCA2 protein function with a negative predictive value of 95%. In summary, the available evidence is currently insufficient to determine the role of this variant in disease. Therefore, it has been classified as a Variant of Uncertain Significance.

Ambry Genetics
Classification: Uncertain significance for Hereditary cancer-predisposing syndrome. Last evaluated: 2023-09-11. Review status: criteria provided, single submitter. Criteria: Ambry Variant Classification Scheme 2023. Collection method: clinical testing. Allele origin: germline.
Comment: The p.F2055L variant (also known as c.6165C>G), located in coding exon 10 of the BRCA2 gene, results from a C to G substitution at nucleotide position 6165. The phenylalanine at codon 2055 is replaced by leucine, an amino acid with highly similar properties. This alteration was not observed in 7051 unselected breast cancer patients and had an allele frequency of 0.00009 in 11241 female controls of Japanese ancestry (Momozawa Y et al. Nat Commun. 2018 10;9(1):4083). This amino acid position is not well conserved in available vertebrate species. In addition, the in silico prediction for this alteration is inconclusive. Since supporting evidence is limited at this time, the clinical significance of this alteration remains unclear.

University of Washington Department of Laboratory Medicine, University of Washington
Classification: Likely benign for Hereditary cancer-predisposing syndrome. Last evaluated: 2023-03-23. Review status: criteria provided, single submitter. Criteria: Dines et al. (Genet Med. 2020). Collection method: curation. Allele origin: germline.
Comment: Missense variant in a coldspot region where missense variants are very unlikely to be pathogenic (PMID:31911673).

BRCA2 exon 11 coldspot. Reclassification based on statistical prior probability.

Sema4
Classification: Uncertain significance for Hereditary cancer-predisposing syndrome. Last evaluated: 2021-11-19. Review status: criteria provided, single submitter. Criteria: Sema4 Curation Guidelines. Collection method: curation. Allele origin: germline.
Comment: The BRCA2 c.6165C>G (p.F2055L) variant has been reported in at least one individual with breast cancer, as well as in a healthy control (PMID: 33471991, 30287823). It was not observed in the large and broad cohorts of the Genome Aggregation Database. The variant has been reported in ClinVar (Variation ID: 483044). Functional studies have not been performed, and in silico predictions of the variant's effect on protein function are inconclusive. The evidence is insufficient to meet ACMG/AMP criteria for classifying the variant as benign or pathogenic. Thus, the clinical significance of this variant is currently uncertain.

Literature cited by the submitters: PubMed 30287823 (cited by Ambry Genetics and Sema4); PubMed 33471991 (cited by Sema4).